The following is an entry in ClinVar:

NM_001453.3(FOXC1):c.1453T>C (p.Leu485=)

Gene: FOXC1 (forkhead box C1; plus strand). Cytogenetic location: 6p25.3.
Variant type: single nucleotide variant.
Coding change: c.1453T>C on transcript NM_001453.3 (MANE Select); coding-DNA position 1453, T replaced by C.
Protein change: p.Leu485=; no amino-acid change (leucine 485 retained).
Molecular consequence: synonymous variant.
Genome position (GRCh38, 1-based): chr6:1,611,898, T>C. VCF-style: chr6-1611898-T-C. GRCh37 (hg19) VCF-style: chr6-1612133-T-C.
Identifiers: ClinVar variation 698153 (VCV000698153.16), dbSNP rs76166083, ClinGen allele CA3614896.

ClinVar aggregate classification (germline): Benign/Likely benign. Review status: criteria provided, multiple submitters, no conflicts (2 of 4 stars). 4 submissions from 4 submitters: Benign (1); Likely benign (3). Last evaluated 2026-01-08.

Conditions:
Axenfeld-Rieger syndrome type 3 (RIEG3). Also called: AXENFELD-RIEGER ANOMALY WITH CARDIAC DEFECTS AND/OR SENSORINEURAL HEARING LOSS. Identifiers: Orphanet 782, MedGen C2678503, MONDO:0011233, OMIM 602482.

Allele frequency attached by ClinVar (database versions not stated): gnomAD exomes 0.00022 and 0.00063; ESP Exome Variant Server 0.00094; ExAC 0.00110; TOPMed 0.00225; gnomAD 0.00246 and 0.00259; 1000 Genomes Project 30x 0.00312; 1000 Genomes Project 0.00379.
gnomAD v4.1: 676 of 1,535,406 alleles (0.044%); highest among the groups gnomAD compares: African/African-American, 0.83%; 2 homozygotes.

Submissions (4):

Labcorp Genetics (formerly Invitae), Labcorp
Classification: Benign for Axenfeld-Rieger syndrome type 3. Last evaluated: 2026-01-08. Review status: criteria provided, single submitter. Criteria: Invitae Variant Classification Sherloc (09022015). Collection method: clinical testing. Allele origin: germline.

CeGaT Center for Human Genetics Tuebingen
Classification: Likely benign. Last evaluated: 2026-01-01. Review status: criteria provided, single submitter. Criteria: CeGaT Center For Human Genetics Tuebingen Variant Classification Criteria Version 2. Collection method: clinical testing. Allele origin: germline. Affected: yes. Observed: 1 variant allele.
Comment: FOXC1: BP4, BP7, BS1

Blueprint Genetics
Classification: Likely benign. Last evaluated: 2024-07-30. Review status: criteria provided, single submitter. Criteria: ACMG Guidelines, 2015. Collection method: clinical testing. Allele origin: germline.

GeneDx
Classification: Likely benign. Last evaluated: 2020-09-09. Review status: criteria provided, single submitter. Criteria: GeneDx Variant Classification Process June 2021. Collection method: clinical testing. Allele origin: germline. Affected: yes.